The following is an entry in ClinVar:

NM_001142800.2(EYS):c.5110A>T (p.Ile1704Leu)

Gene: EYS (eyes shut homolog; minus strand). Cytogenetic location: 6q12.
Variant type: single nucleotide variant.
Coding change: c.5110A>T on transcript NM_001142800.2 (MANE Select); coding-DNA position 5110, A replaced by T.
Protein change: p.Ile1704Leu; replaces isoleucine 1704 with leucine.
Molecular consequence: missense variant.
Genome position (GRCh38, 1-based): chr6:64,590,757, T>A on the plus strand (A>T on the coding strand, the complement: EYS is on the minus strand). VCF-style: chr6-64590757-T-A. GRCh37 (hg19) VCF-style: chr6-65300650-T-A.
Other names: c.5110A>T, p.Ile1704Leu (NM_001292009.2); short protein forms I1704L.
Identifiers: ClinVar variation 1389101 (VCV001389101.3), dbSNP rs1458502593, ClinGen allele CA364781832.

ClinVar aggregate classification (germline): Uncertain significance (1 of 4 stars; one submission).

Allele frequency attached by ClinVar (database versions not stated): gnomAD exomes 0.00002 and 0.00001; gnomAD 0.00001.
gnomAD v4.1: 12 of 1,550,886 alleles (0.00077%); highest among the groups gnomAD compares: Admixed American, 0.002%; no homozygotes.

Submission:

Labcorp Genetics (formerly Invitae), Labcorp
Classification: Uncertain significance. Last evaluated: 2021-12-13. Review status: criteria provided, single submitter. Criteria: Invitae Variant Classification Sherloc (09022015). Collection method: clinical testing. Allele origin: germline.
Comment: This sequence change replaces isoleucine, which is neutral and non-polar, with leucine, which is neutral and non-polar, at codon 1704 of the EYS protein (p.Ile1704Leu). This variant is present in population databases (no rsID available, gnomAD 0.004%). This missense change has been observed in individual(s) with retinitis pigmentosa (PMID: 20537394). Algorithms developed to predict the effect of missense changes on protein structure and function output the following: SIFT: "Tolerated"; PolyPhen-2: "Benign"; Align-GVGD: "Class C0". The leucine amino acid residue is found in multiple mammalian species, which suggests that this missense change does not adversely affect protein function. In summary, the available evidence is currently insufficient to determine the role of this variant in disease. Therefore, it has been classified as a Variant of Uncertain Significance.

Literature cited by the submitters: PubMed 20537394.